The following is an entry in ClinVar:

ClinVar aggregate classification (germline): Uncertain significance. Review status: criteria provided, multiple submitters, no conflicts (2 of 4 stars). 4 submissions from 4 submitters: Uncertain significance (4). Last evaluated 2025-11-26.

Conditions:
Chédiak-Higashi syndrome (CHS). Also called: Chediak-Higashi Syndrome. Identifiers: Orphanet 167, MedGen C0007965, MONDO:0008963, OMIM 214500.
Inborn genetic diseases. Identifiers: MedGen C0950123, MeSH D030342.

Allele frequency attached by ClinVar (database versions not stated): ExAC 0.00003; gnomAD exomes 0.00008; gnomAD 0.00011; 1000 Genomes Project 0.00020; TOPMed 0.00021; 1000 Genomes Project 30x 0.00031.
gnomAD v4.1: 142 of 1,613,744 alleles (0.0088%); highest among the groups gnomAD compares: Admixed American, 0.023%; no homozygotes.

Submissions (4):

Women's Health and Genetics/Laboratory Corporation of America, LabCorp
Classification: Uncertain significance. Last evaluated: 2025-11-26. Review status: criteria provided, single submitter. Criteria: LabCorp Variant Classification Summary - May 2015. Collection method: clinical testing. Allele origin: germline.
Comment: Variant summary: LYST c.3065A>G (p.Gln1022Arg) results in a conservative amino acid change in the encoded protein sequence. Algorithms developed to predict the effect of missense changes on protein structure and function all suggest that this variant is likely to be tolerated. The variant allele was found at a frequency of 4.8e-05 in 251076 control chromosomes. This frequency is not significantly higher than estimated for disease-causing variants in LYST, allowing no conclusion about variant significance. To our knowledge, no occurrence of c.3065A>G in individuals affected with LYST-related conditions and no experimental evidence demonstrating its impact on protein function have been reported. ClinVar contains an entry for this variant (Variation ID: 454483). Based on the evidence outlined above, the variant was classified as uncertain significance.

Ambry Genetics
Classification: Uncertain significance for Inborn genetic diseases. Last evaluated: 2025-11-13. Review status: criteria provided, single submitter. Criteria: Ambry Variant Classification Scheme 2023. Collection method: clinical testing. Allele origin: germline.

Labcorp Genetics (formerly Invitae), Labcorp
Classification: Uncertain significance for Chédiak-Higashi syndrome. Last evaluated: 2024-11-03. Review status: criteria provided, single submitter. Criteria: Invitae Variant Classification Sherloc (09022015). Collection method: clinical testing. Allele origin: germline.
Comment: This sequence change replaces glutamine, which is neutral and polar, with arginine, which is basic and polar, at codon 1022 of the LYST protein (p.Gln1022Arg). This variant is present in population databases (rs190397981, gnomAD 0.01%). This variant has not been reported in the literature in individuals affected with LYST-related conditions. ClinVar contains an entry for this variant (Variation ID: 454483). Invitae Evidence Modeling of protein sequence and biophysical properties (such as structural, functional, and spatial information, amino acid conservation, physicochemical variation, residue mobility, and thermodynamic stability) indicates that this missense variant is not expected to disrupt LYST protein function with a negative predictive value of 80%. In summary, the available evidence is currently insufficient to determine the role of this variant in disease. Therefore, it has been classified as a Variant of Uncertain Significance.

Mayo Clinic Laboratories, Mayo Clinic
Classification: Uncertain significance. Last evaluated: 2024-03-28. Review status: criteria provided, single submitter. Criteria: ACMG Guidelines, 2015. Collection method: clinical testing. Allele origin: germline. Observed: 1 variant allele.
Comment: BP4

NM_000081.4(LYST):c.3065A>G (p.Gln1022Arg)

Gene: LYST (lysosomal trafficking regulator; minus strand). Cytogenetic location: 1q42.3.
Variant type: single nucleotide variant.
Coding change: c.3065A>G on transcript NM_000081.4 (MANE Select); coding-DNA position 3065, A replaced by G.
Protein change: p.Gln1022Arg; replaces glutamine 1022 with arginine.
Molecular consequence: missense variant.
Genome position (GRCh38, 1-based): chr1:235,806,071, T>C on the plus strand (A>G on the coding strand, the complement: LYST is on the minus strand). VCF-style: chr1-235806071-T-C. GRCh37 (hg19) VCF-style: chr1-235969371-T-C.
Other names: p.Gln1022Arg; c.3065A>G (NM_000081.2); c.3065A>G, p.Gln1022Arg (NM_001301365.1); short protein forms Q1022R.
Identifiers: ClinVar variation 454483 (VCV000454483.12), dbSNP rs190397981, ClinGen allele CA1467148.
Genomic context (GRCh38, chr1:235,806,071, plus strand): 5'-GCCAAAGATAATAAATCTTCCTTCATAGTTCTCTTAGGTTGAGAAATTCTGTTTAAATCC[T>C]GGTTTTCATTTACACTTGTATCTCCCTCCTTTTTTCCTTGCTCCTCTTTGTGACTTCTGA-3'
Protein context (NP_000072.2, residues 1012-1032): KEGDTSVNEN[Gln1022Arg]DLNRISQPKR